The following is an entry in ClinVar:

NM_005045.4(RELN):c.9248C>A (p.Ala3083Glu)

Genes: RELN (reelin; minus strand), SLC26A5-AS1 (SLC26A5 antisense RNA 1; plus strand). Cytogenetic location: 7q22.1.
Variant type: single nucleotide variant.
Coding change: c.9248C>A on transcript NM_005045.4 (MANE Select); coding-DNA position 9248, C replaced by A.
Protein change: p.Ala3083Glu; replaces alanine 3083 with glutamic acid.
Molecular consequence: missense variant.
Genome position (GRCh38, 1-based): chr7:103,495,844, G>T on the plus strand (C>A on the coding strand, the complement: RELN is on the minus strand). VCF-style: chr7-103495844-G-T. GRCh37 (hg19) VCF-style: chr7-103136291-G-T.
Other names: c.9248C>A, p.Ala3083Glu (NM_173054.3); short protein forms A3083E.
Identifiers: ClinVar variation 2051477 (VCV002051477.4), dbSNP rs1828825003, ClinGen allele CA368749245.
Genomic context (GRCh38, chr7:103,495,844, plus strand): 5'-GTCTTGTCCTTCTTTTTATTTGGCCAATAGAGGTGAAAGGATGGATTGCCACAAAATCCT[G>T]CTGTCCTTACAGCATTAGGGTAAAAACTCCAGTTTTCTTCATGGGAAGTGCCTTCTGTTA-3'
Protein context (NP_005036.2, residues 3073-3093): WSFYPNAVRT[Ala3083Glu]GFCGNPSFHL

ClinVar aggregate classification (germline): Uncertain significance (1 of 4 stars; one submission).

Conditions:
Familial temporal lobe epilepsy 7. Identifiers: Orphanet 101046, MedGen C4225327, MONDO:0014639, OMIM 616436.
Norman-Roberts syndrome (LIS2). Also called: Lissencephaly 2 (Norman-Roberts type). Identifiers: Orphanet 89844, MedGen C0796089, MONDO:0009760, OMIM 257320.

Submission:

Labcorp Genetics (formerly Invitae), Labcorp
Classification: Uncertain significance for Familial temporal lobe epilepsy 7; Norman-Roberts syndrome. Last evaluated: 2021-12-14. Review status: criteria provided, single submitter. Criteria: Invitae Variant Classification Sherloc (09022015). Collection method: clinical testing. Allele origin: germline.
Comment: This variant has not been reported in the literature in individuals affected with RELN-related conditions. This sequence change replaces alanine, which is neutral and non-polar, with glutamic acid, which is acidic and polar, at codon 3083 of the RELN protein (p.Ala3083Glu). This variant is not present in population databases (gnomAD no frequency). Algorithms developed to predict the effect of missense changes on protein structure and function are either unavailable or do not agree on the potential impact of this missense change (SIFT: "Deleterious"; PolyPhen-2: "Possibly Damaging"; Align-GVGD: "Class C0"). In summary, the available evidence is currently insufficient to determine the role of this variant in disease. Therefore, it has been classified as a Variant of Uncertain Significance.